The following is an entry in ClinVar:

ClinVar aggregate classification (germline): Uncertain significance (1 of 4 stars; one submission).

Conditions:
Charcot-Marie-Tooth disease axonal type 2O. Also called: CHARCOT-MARIE-TOOTH NEUROPATHY, AXONAL, TYPE 2O; CHARCOT-MARIE-TOOTH DISEASE, AXONAL, AUTOSOMAL DOMINANT, TYPE 2O; Charcot-Marie-Tooth Neuropathy Type 2O; Charcot-Marie-Tooth disease, axonal, type 20. Identifiers: Orphanet 284232, MedGen C3280220, MONDO:0013644, OMIM 614228.

Allele frequency attached by ClinVar (database versions not stated): gnomAD exomes below 0.00001; TOPMed 0.00001.
gnomAD v4.1: 1 of 1,614,196 alleles (0.000062%); highest among the groups gnomAD compares: Non-Finnish European, 0.000085%; no homozygotes.

Submission:

Labcorp Genetics (formerly Invitae), Labcorp
Classification: Uncertain significance for Charcot-Marie-Tooth disease axonal type 2O. Last evaluated: 2022-06-09. Review status: criteria provided, single submitter. Criteria: Invitae Variant Classification Sherloc (09022015). Collection method: clinical testing. Allele origin: germline.
Comment: Algorithms developed to predict the effect of missense changes on protein structure and function are either unavailable or do not agree on the potential impact of this missense change (SIFT: "Tolerated"; PolyPhen-2: "Possibly Damaging"; Align-GVGD: "Class C0"). In summary, the available evidence is currently insufficient to determine the role of this variant in disease. Therefore, it has been classified as a Variant of Uncertain Significance. ClinVar contains an entry for this variant (Variation ID: 1051407). This variant has not been reported in the literature in individuals affected with DYNC1H1-related conditions. This variant is present in population databases (no rsID available, gnomAD 0.01%). This sequence change replaces leucine, which is neutral and non-polar, with valine, which is neutral and non-polar, at codon 996 of the DYNC1H1 protein (p.Leu996Val).

NM_001376.5(DYNC1H1):c.2986C>G (p.Leu996Val)

Gene: DYNC1H1 (dynein cytoplasmic 1 heavy chain 1; plus strand). Cytogenetic location: 14q32.31.
Variant type: single nucleotide variant.
Coding change: c.2986C>G on transcript NM_001376.5 (MANE Select); coding-DNA position 2986, C replaced by G.
Protein change: p.Leu996Val; replaces leucine 996 with valine.
Molecular consequence: missense variant.
Genome position (GRCh38, 1-based): chr14:101,991,644, C>G. VCF-style: chr14-101991644-C-G. GRCh37 (hg19) VCF-style: chr14-102457981-C-G.
Other names: short protein forms L996V.
Identifiers: ClinVar variation 1051407 (VCV001051407.10), dbSNP rs1194361096, ClinGen allele CA391030682.